The following is an entry in ClinVar:

NM_001451.3(FOXF1):c.713A>C (p.His238Pro)

Gene: FOXF1 (forkhead box F1; plus strand). Cytogenetic location: 16q24.1.
Variant type: single nucleotide variant.
Coding change: c.713A>C on transcript NM_001451.3 (MANE Select); coding-DNA position 713, A replaced by C.
Protein change: p.His238Pro; replaces histidine 238 with proline.
Molecular consequence: missense variant.
Genome position (GRCh38, 1-based): chr16:86,511,282, A>C. VCF-style: chr16-86511282-A-C. GRCh37 (hg19) VCF-style: chr16-86544888-A-C.
Other names: short protein forms H238P.
Identifiers: ClinVar variation 1303329 (VCV001303329.2), dbSNP rs1178200609, ClinGen allele CA397007894.

ClinVar aggregate classification (germline): Uncertain significance (1 of 4 stars; one submission).

Allele frequency attached by ClinVar (database versions not stated): TOPMed below 0.00001; gnomAD 0.00001.

Submission:

GeneDx
Classification: Uncertain significance. Last evaluated: 2021-01-25. Review status: criteria provided, single submitter. Criteria: GeneDx Variant Classification Process June 2021. Collection method: clinical testing. Allele origin: germline. Affected: yes.
Comment: Not observed in large population cohorts (Lek et al., 2016); In silico analysis supports that this missense variant does not alter protein structure/function; Has not been previously published as pathogenic or benign to our knowledge